The following is an entry in ClinVar:

NM_006258.4(PRKG1):c.866C>T (p.Pro289Leu)

Gene: PRKG1 (protein kinase cGMP-dependent 1; plus strand). Cytogenetic location: 10q21.1.
Variant type: single nucleotide variant.
Coding change: c.866C>T on transcript NM_006258.4 (MANE Select); coding-DNA position 866, C replaced by T.
Protein change: p.Pro289Leu; replaces proline 289 with leucine.
Molecular consequence: missense variant.
Genome position (GRCh38, 1-based): chr10:52,062,562, C>T. VCF-style: chr10-52062562-C-T. GRCh37 (hg19) VCF-style: chr10-53822322-C-T.
Other names: c.821C>T, p.Pro274Leu (LRG_1135t2, NM_001098512.3); c.866C>T, p.Pro289Leu (LRG_1135t1); short protein forms P274L, P289L.
Identifiers: ClinVar variation 520138 (VCV000520138.6), dbSNP rs549568221, ClinGen allele CA5503647.
Genomic context (GRCh38, chr10:52,062,562, plus strand): 5'-CAGTGGATCTAAACTTTCATTGTTTCTCTTTGCAGGTAAATGTCACTCGTGAAGACTCAC[C>T]GAGTGAAGACCCAGTCTTTCTTAGAACTTTAGGAAAAGGAGACTGGTTTGGAGAGAAAGC-3'
Protein context (NP_006249.1, residues 279-299): GTVNVTREDS[Pro289Leu]SEDPVFLRTL

ClinVar aggregate classification (germline): Uncertain significance (1 of 4 stars; one submission).

Conditions:
Familial thoracic aortic aneurysm and aortic dissection (TAAD). Also called: Thoracic aortic aneurysms and dissections. Identifiers: Orphanet 91387, MedGen C4707243, MONDO:0019625.

Allele frequency attached by ClinVar (database versions not stated): 1000 Genomes Project 30x 0.00016; 1000 Genomes Project 0.00020.
gnomAD v4.1: 17 of 1,603,734 alleles (0.0011%); highest among the groups gnomAD compares: Admixed American, 0.0035%; no homozygotes.

Submission:

Ambry Genetics
Classification: Uncertain significance for Familial thoracic aortic aneurysm and aortic dissection. Last evaluated: 2024-08-19. Review status: criteria provided, single submitter. Criteria: Ambry Variant Classification Scheme 2023. Collection method: clinical testing. Allele origin: germline.
Comment: The p.P289L variant (also known as c.866C>T), located in coding exon 7 of the PRKG1 gene, results from a C to T substitution at nucleotide position 866. The proline at codon 289 is replaced by leucine, an amino acid with some similar properties. This variant was previously reported in the SNPDatabase as rs549568221. Based on data from ExAC, the T allele has an overall frequency less than 0.01% (2/103622). This amino acid position is highly conserved in available vertebrate species. In addition, this alteration is predicted to be deleterious by in silico analysis. Since supporting evidence is limited at this time, the clinical significance of this alteration remains unclear.